The following is an entry in ClinVar:

ClinVar aggregate classification (germline): Uncertain significance (1 of 4 stars; one submission).

Submission:

Labcorp Genetics (formerly Invitae), Labcorp
Classification: Uncertain significance. Last evaluated: 2022-06-02. Review status: criteria provided, single submitter. Criteria: Invitae Variant Classification Sherloc (09022015). Collection method: clinical testing. Allele origin: germline.
Comment: Algorithms developed to predict the effect of missense changes on protein structure and function (SIFT, PolyPhen-2, Align-GVGD) all suggest that this variant is likely to be tolerated. In summary, the available evidence is currently insufficient to determine the role of this variant in disease. Therefore, it has been classified as a Variant of Uncertain Significance. This variant has not been reported in the literature in individuals affected with ASAH1-related conditions. This variant is not present in population databases (gnomAD no frequency). This sequence change replaces leucine, which is neutral and non-polar, with methionine, which is neutral and non-polar, at codon 223 of the ASAH1 protein (p.Leu223Met).

NM_177924.5(ASAH1):c.667C>A (p.Leu223Met)

Gene: ASAH1 (N-acylsphingosine amidohydrolase 1; minus strand). Cytogenetic location: 8p22.
Variant type: single nucleotide variant.
Coding change: c.667C>A on transcript NM_177924.5 (MANE Select); coding-DNA position 667, C replaced by A.
Protein change: p.Leu223Met; replaces leucine 223 with methionine.
Molecular consequence: missense variant.
Genome position (GRCh38, 1-based): chr8:18,061,722, G>T on the plus strand (C>A on the coding strand, the complement: ASAH1 is on the minus strand). VCF-style: chr8-18061722-G-T. GRCh37 (hg19) VCF-style: chr8-17919231-G-T.
Other names: c.649C>A, p.Leu217Met (NM_001127505.3); c.472C>A, p.Leu158Met (NM_001363743.2); c.715C>A, p.Leu239Met (NM_004315.6); short protein forms L239M, L158M, L217M, L223M.
Identifiers: ClinVar variation 2130368 (VCV002130368.2), dbSNP rs371332103, ClinGen allele CA370429683.